The following is an entry in ClinVar:

NM_001145252.3(CFP):c.*2A>T

Gene: CFP (complement factor properdin; minus strand). Cytogenetic location: Xp11.23.
Variant type: single nucleotide variant.
Coding change: c.*2A>T on transcript NM_001145252.3 (MANE Select); 2 bases downstream of the stop codon, A replaced by T.
Molecular consequence: 3 prime UTR variant.
Genome position (GRCh38, 1-based): chrX:47,624,273, T>A on the plus strand (A>T on the coding strand, the complement: CFP is on the minus strand). VCF-style: chrX-47624273-T-A. GRCh37 (hg19) VCF-style: chrX-47483672-T-A.
Other names: c.*2A>T (NM_002621.2).
Identifiers: ClinVar variation 3043044 (VCV003043044.4), dbSNP rs138490907, ClinGen allele CA10398802.
Genomic context (GRCh38, chrX:47,624,273, plus strand): 5'-TCGAAGAGGCTAGTTTATTGAGGTTTGGAAGGTCAGGGGGCTCAGAGTGGAGGAGAGAAG[T>A]GTTAGAGTTCCTCTTCCTCAGGGTCTTTGCAAGCAGGCACGTGTAGACATGGTCGTTTCT-3'

ClinVar aggregate classification (germline): Benign/Likely benign. Review status: criteria provided, multiple submitters, no conflicts (2 of 4 stars). 3 submissions from 3 submitters: Benign (1); Likely benign (1). 1 of the submissions does not count toward it. Last evaluated 2026-04-02.

Conditions:
CFP-related disorder. Also called: CFP-related condition.

Allele frequency attached by ClinVar (database versions not stated): gnomAD exomes 0.00034; ExAC 0.00113; 1000 Genomes Project 30x 0.00271; gnomAD 0.00288; 1000 Genomes Project 0.00318; TOPMed 0.00348; ESP Exome Variant Server 0.00426.

Submissions (3):

Women's Health and Genetics/Laboratory Corporation of America, LabCorp
Classification: Benign. Last evaluated: 2026-04-02. Review status: criteria provided, single submitter. Criteria: LabCorp Variant Classification Summary - May 2015. Collection method: clinical testing. Allele origin: germline.
Comment: Variant summary: CFP c.*2A>T is located in the untranslated mRNA region downstream of the termination codon. The variant allele was found at a frequency of 0.00088 in 183521 control chromosomes, predominantly at a frequency of 0.011 within the African or African-American subpopulation in the gnomAD database. The observed variant frequency within African or African-American control individuals in the gnomAD database exceeds the estimated maximal expected allele frequency for disease-causing variants in CFP. To our knowledge, no occurrence of c.*2A>T in individuals affected with CFP-related conditions and no experimental evidence demonstrating its impact on protein function have been reported. ClinVar contains an entry for this variant (Variation ID: 3043044). Based on the evidence outlined above, the variant was classified as benign.

Blueprint Genetics
Classification: Likely benign. Last evaluated: 2024-09-23. Review status: criteria provided, single submitter. Criteria: ACMG Guidelines, 2015. Collection method: clinical testing. Allele origin: germline.

PreventionGenetics, part of Exact Sciences
Classification: Benign for CFP-related condition. Last evaluated: 2019-07-11. Review status: no assertion criteria provided. Collection method: clinical testing. Allele origin: germline. Not counted in ClinVar's aggregate classification.
Comment: This variant is classified as benign based on ACMG/AMP sequence variant interpretation guidelines (Richards et al. 2015 PMID: 25741868, with internal and published modifications).